The following is an entry in ClinVar:

NM_015205.3(ATP11A):c.*10-51G>T

Genes: ATP11A (ATPase phospholipid transporting 11A; plus strand), LOC128772390 (melanoma risk locus-associated MPRA allelic enhancer 13:113536132; plus strand). Cytogenetic location: 13q34.
Variant type: single nucleotide variant.
Coding change: c.*10-51G>T on transcript NM_015205.3 (MANE Select); 51 bases into the intron before 10 bases downstream of the stop codon, G replaced by T.
Molecular consequence: intron variant. On other transcripts: missense variant (2).
Genome position (GRCh38, 1-based): chr13:112,881,825, G>T. VCF-style: chr13-112881825-G-T. GRCh37 (hg19) VCF-style: chr13-113536139-G-T.
Other names: c.3340G>T, p.Ala1114Ser (NM_001405661.1); c.3337G>T, p.Ala1113Ser (NM_032189.4); c.*12-51G>T (NM_001405663.1); c.3328-51G>T (NM_001405662.1); short protein forms A1113S, A1114S.
Identifiers: ClinVar variation 3896053 (VCV003896053.1).

ClinVar aggregate classification (germline): Uncertain significance (1 of 4 stars; one submission).

Submission:

Women's Health and Genetics/Laboratory Corporation of America, LabCorp
Classification: Uncertain significance. Last evaluated: 2025-03-21. Review status: criteria provided, single submitter. Criteria: LabCorp Variant Classification Summary - May 2015. Collection method: clinical testing. Allele origin: germline.
Comment: Variant summary: ATP11A c.3337G>T (p.Ala1113Ser) results in a conservative amino acid change in the encoded protein sequence. Five of five in-silico tools predict a benign effect of the variant on protein function. The variant was absent in 250034 control chromosomes. The available data on variant occurrences in the general population are insufficient to allow any conclusion about variant significance. To our knowledge, no occurrence of c.3337G>T in individuals affected with ATP11A-Related Disorders and no experimental evidence demonstrating its impact on protein function have been reported. No submitters have cited clinical-significance assessments for this variant to ClinVar. Based on the evidence outlined above, the variant was classified as uncertain significance.